The following is an entry in ClinVar:

ClinVar aggregate classification (germline): Pathogenic (1 of 4 stars; one submission).

Conditions:
Hereditary breast ovarian cancer syndrome. Also called: Hereditary breast and ovarian cancer syndrome; Hereditary breast and/or ovarian cancer syndrome; BRCA1- and BRCA2-Associated Hereditary Breast and Ovarian Cancer; Breast and ovarian cancer; Hereditary breast and ovarian cancer; Hereditary breast and ovarian cancer syndrome (HBOC). Identifiers: Orphanet 145, MedGen C0677776, MeSH D061325, MONDO:0003582. Disease mechanism: loss of function.

Submission:

Labcorp Genetics (formerly Invitae), Labcorp
Classification: Pathogenic for Hereditary breast ovarian cancer syndrome. Last evaluated: 2025-04-27. Review status: criteria provided, single submitter. Criteria: Invitae Variant Classification Sherloc (09022015). Collection method: clinical testing. Allele origin: germline.
Comment: This sequence change creates a premature translational stop signal (p.Pro3150Glnfs*13) in the BRCA2 gene. It is expected to result in an absent or disrupted protein product. Loss-of-function variants in BRCA2 are known to be pathogenic (PMID: 20104584). This variant is not present in population databases (gnomAD no frequency). This premature translational stop signal has been observed in individual(s) with breast cancer (PMID: 31451522). ClinVar contains an entry for this variant (Variation ID: 3713353). For these reasons, this variant has been classified as Pathogenic.

Literature cited by the submitters: PubMed 20104584; PubMed 31451522.

NM_000059.4(BRCA2):c.9449del (p.Pro3150fs)

Gene: BRCA2 (BRCA2 DNA repair associated; plus strand). Cytogenetic location: 13q13.1.
Variant type: Deletion.
Coding change: c.9449del on transcript NM_000059.4 (MANE Select); coding-DNA position 9449, one base deleted (C; older notation c.9449delC).
Protein change: p.Pro3150fs; shifts the reading frame from proline 3150.
Molecular consequence: frameshift variant. On other transcripts: non-coding transcript variant (1).
Genome position (GRCh38, 1-based): chr13:32,394,881, C deleted; the last of 2 consecutive C bases (chr13:32,394,880-32,394,881); deleting either gives the same sequence. VCF-style (leftmost placement, unchanged base first): chr13-32394879-TC-T. GRCh37 (hg19) VCF-style: chr13-32969016-TC-T.
Other names: c.9353del, p.Pro3118fs (NM_001406719.1); c.9398del, p.Pro3133fs (NM_001406720.1); c.4517del, p.Pro1506fs (NM_001406721.1); c.3032del, p.Pro1011fs (NM_001406722.1); c.9449del, p.Pro3150fs (NM_001432077.1); short protein forms P3133fs, P3118fs, P1011fs, P1506fs, P3150fs.
Identifiers: ClinVar variation 3713353 (VCV003713353.2).